The following is an entry in ClinVar:

NM_020207.7(ERCC6L2):c.2582A>G (p.His861Arg)

Gene: ERCC6L2 (ERCC excision repair 6 like 2; plus strand). Cytogenetic location: 9q22.32.
Variant type: single nucleotide variant.
Coding change: c.2582A>G on transcript NM_020207.7 (MANE Select); coding-DNA position 2582, A replaced by G.
Protein change: p.His861Arg; replaces histidine 861 with arginine.
Molecular consequence: missense variant. On other transcripts: non-coding transcript variant (1).
Genome position (GRCh38, 1-based): chr9:95,972,333, A>G. VCF-style: chr9-95972333-A-G. GRCh37 (hg19) VCF-style: chr9-98734615-A-G.
Other names: c.2582A>G, p.His861Arg (NM_001375291.1, NM_001375292.1, NM_001375293.1 and 1 more transcripts); short protein forms H861R.
Identifiers: ClinVar variation 2073999 (VCV002073999.4), dbSNP rs2490551027, ClinGen allele CA2580080732.
Genomic context (GRCh38, chr9:95,972,333, plus strand): 5'-ACTCTCTTGGTACTTCAAAACATCAGAAATTAGATAACATCCTAAATCCAAAAGAAAAGC[A>G]TATTTTTTATAAAAGTGAGAAGATTTTAGAACAGAATATTTCTTCCAAGTCTGACGAGAA-3'
Protein context (NP_064592.3, residues 851-871): LDNILNPKEK[His861Arg]IFYKSEKILE

ClinVar aggregate classification (germline): Uncertain significance (1 of 4 stars; one submission).

Allele frequency attached by ClinVar (database versions not stated): gnomAD exomes below 0.00001.
gnomAD v4.1: 1 of 1,289,950 alleles (0.000078%); highest among the groups gnomAD compares: Non-Finnish European, 0.0001%; no homozygotes.

Submission:

Labcorp Genetics (formerly Invitae), Labcorp
Classification: Uncertain significance. Last evaluated: 2022-05-29. Review status: criteria provided, single submitter. Criteria: Invitae Variant Classification Sherloc (09022015). Collection method: clinical testing. Allele origin: germline.
Comment: This sequence change replaces histidine, which is basic and polar, with arginine, which is basic and polar, at codon 872 of the ERCC6L2 protein (p.His872Arg). This variant is not present in population databases (gnomAD no frequency). This variant has not been reported in the literature in individuals affected with ERCC6L2-related conditions. Algorithms developed to predict the effect of missense changes on protein structure and function are either unavailable or do not agree on the potential impact of this missense change (SIFT: "Tolerated"; PolyPhen-2: "Not Available"; Align-GVGD: "Class C0"). In summary, the available evidence is currently insufficient to determine the role of this variant in disease. Therefore, it has been classified as a Variant of Uncertain Significance.